The following is an entry in ClinVar:

ClinVar aggregate classification (germline): Uncertain significance. Review status: criteria provided, multiple submitters, no conflicts (2 of 4 stars). 2 submissions from 2 submitters: Uncertain significance (2). Last evaluated 2024-08-02.

Conditions:
Hereditary cancer-predisposing syndrome. Also called: Neoplastic Syndromes, Hereditary; Tumor predisposition; Hereditary Cancer Syndrome; Hereditary neoplastic syndrome. Identifiers: Orphanet 140162, MedGen C0027672, MeSH D009386, MONDO:0015356.
Multiple endocrine neoplasia, type 2 (MEN2). Identifiers: Orphanet 653, MedGen C4048306, MONDO:0019003. Disease mechanism: gain of function.

Allele frequency attached by ClinVar (database versions not stated): TOPMed below 0.00001.

Submissions (2):

Ambry Genetics
Classification: Uncertain significance for Hereditary cancer-predisposing syndrome. Last evaluated: 2024-08-02. Review status: criteria provided, single submitter. Criteria: Ambry Variant Classification Scheme 2023. Collection method: clinical testing. Allele origin: germline.
Comment: The p.H661Q variant (also known as c.1983C>G), located in coding exon 11 of the RET gene, results from a C to G substitution at nucleotide position 1983. The histidine at codon 661 is replaced by glutamine, an amino acid with highly similar properties. This amino acid position is well conserved in available vertebrate species. In addition, this alteration is predicted to be deleterious by in silico analysis. Based on the available evidence, the clinical significance of this variant remains unclear.

All of Us Research Program, National Institutes of Health
Classification: Uncertain significance for Multiple endocrine neoplasia, type 2. Last evaluated: 2024-07-29. Review status: criteria provided, single submitter. Criteria: ACMG Guidelines, 2015. Collection method: clinical testing. Allele origin: germline. Inheritance: Autosomal dominant inheritance. Observed: 1 variant allele, 1 heterozygote.
Comment: This missense variant replaces histidine with glutamine at codon 661 of the RET protein. Computational prediction suggests that this variant may have deleterious impact on protein structure and function (internally defined REVEL score threshold >= 0.7, PMID: 27666373). To our knowledge, functional studies have not been reported for this variant. This variant has not been reported in individuals affected with RET-related disorders in the literature. This variant has not been identified in the general population by the Genome Aggregation Database (gnomAD). The available evidence is insufficient to determine the role of this variant in disease conclusively. Therefore, this variant is classified as a Variant of Uncertain Significance.

This study involves interpretation of variants in research participants for the purpose of population health screening. Participant phenotype was not available at the time of variant classification. Additional details can be found in publication PMID: 35346344, PMCID: PMC8962531

NM_020975.6(RET):c.1983C>G (p.His661Gln)

Gene: RET (ret proto-oncogene; plus strand). Cytogenetic location: 10q11.21.
Variant type: single nucleotide variant.
Coding change: c.1983C>G on transcript NM_020975.6 (MANE Select); coding-DNA position 1983, C replaced by G.
Protein change: p.His661Gln; replaces histidine 661 with glutamine.
Molecular consequence: missense variant.
Genome position (GRCh38, 1-based): chr10:43,114,583, C>G. VCF-style: chr10-43114583-C-G. GRCh37 (hg19) VCF-style: chr10-43610031-C-G.
Other names: c.1983C>G, p.His661Gln (NM_000323.2, NM_001406743.1, NM_001406744.1 and 4 more transcripts); c.1221C>G, p.His407Gln (NM_001355216.2); c.1854C>G, p.His618Gln (NM_001406761.1, NM_001406762.1, NM_001406764.1); c.1695C>G, p.His565Gln (NM_001406766.1, NM_001406767.1, NM_001406770.1); c.1587C>G, p.His529Gln (NM_001406769.1, NM_001406772.1); c.1545C>G, p.His515Gln (NM_001406771.1, NM_001406773.1); c.1458C>G, p.His486Gln (NM_001406774.1); c.1257C>G, p.His419Gln (NM_001406775.1, NM_001406776.1, NM_001406777.1 and 1 more transcripts); and 7 more; short protein forms H226Q, H362Q, H618Q, H322Q, H515Q, H661Q, H178Q, H319Q.
Identifiers: ClinVar variation 1783841 (VCV001783841.4), dbSNP rs1838023845, ClinGen allele CA376553074.
Genomic context (GRCh38, chr10:43,114,583, plus strand): 5'-TGTCCTCTTCTCCTTCATCGTCTCGGTGCTGCTGTCTGCCTTCTGCATCCACTGCTACCA[C>G]AAGTTTGCCCACAAGCCACCCATCTCCTCAGCTGAGATGACCTTCCGGAGGCCCGCCCAG-3'
Protein context (NP_066124.1, residues 651-671): LLSAFCIHCY[His661Gln]KFAHKPPISS